The following is an entry in ClinVar:

ClinVar aggregate classification (germline): Pathogenic (1 of 4 stars; one submission).

Conditions:
Mucopolysaccharidosis, MPS-II (MPS2). Also called: Hunter Syndrome; IDURONATE 2-SULFATASE DEFICIENCY; Mucopolysaccharidosis Type II; Mucopolysaccharidosis type 2; Attenuated MPS (subtype; formerly known as mild MPS II); Severe MPS II. Identifiers: Orphanet 580, Orphanet 79388, MedGen C0026705, MONDO:0010674, OMIM 309900.

Submission:

Laboratory of Diagnosis and Therapy of Lysosomal Disorders, University of Padova
Classification: Pathogenic for Mucopolysaccharidosis, MPS-II. Last evaluated: 2024-06-07. Review status: criteria provided, single submitter. Criteria: ACMG Guidelines, 2015. Collection method: literature only. Allele origin: germline. Affected: yes. Observed: 1 variant allele.
Comment: Null variant (PVS1_VeryStrong), Absent from controls (or at low frequency) in gnomAD database (PM2_Moderate), Patient’s phenotype or family history highly specific for the disease (PP4_Moderate)

Classification method: ACMG Guidelines [PMID:25741868] with modifications

Literature cited by the submitters: PubMed 34670126.

NM_000202.8(IDS):c.815_818dup (p.Glu274fs)

Genes: IDS (iduronate 2-sulfatase; minus strand), LOC106050102 (IDS recombination region; plus strand). Cytogenetic location: Xq28.
Variant type: Duplication.
Coding change: c.815_818dup on transcript NM_000202.8 (MANE Select); coding-DNA positions 815 to 818, 4 bases duplicated (AACG; older notation c.815_818dupAACG).
Protein change: p.Glu274fs; shifts the reading frame from glutamic acid 274.
Molecular consequence: frameshift variant. On other transcripts: non-coding transcript variant (1).
Genome position (GRCh38, 1-based): chrX:149,496,407-149,496,410, CGTT duplicated on the plus strand (AACG on the coding strand, the reverse complement: IDS is on the minus strand). VCF-style (leftmost placement, unchanged base first): chrX-149496406-C-CCGTT. GRCh37 (hg19) VCF-style: chrX-148577937-C-CCGTT.
Other names: c.545_548dup, p.Glu184fs (NM_001166550.4); c.815_818dup, p.Glu274fs (NM_006123.5); short protein forms E184fs, E274fs.
Identifiers: ClinVar variation 3255854 (VCV003255854.2).